The following is an entry in ClinVar:

ClinVar aggregate classification (germline): Conflicting classifications of pathogenicity. Review status: criteria provided, conflicting classifications (1 of 4 stars). 9 submissions from 9 submitters: Uncertain significance (6); Likely benign (3). Last evaluated 2026-01-29.

Conditions:
CHAT-related disorder. Also called: CHAT-related condition.
Inborn genetic diseases. Identifiers: MedGen C0950123, MeSH D030342.
Familial infantile myasthenia (CMS6). Also called: MYASTHENIC SYNDROME, CONGENITAL, 6, PRESYNAPTIC; Congenital myasthenic syndrome type 6; MYASTHENIC SYNDROME, PRESYNAPTIC, CONGENITAL, ASSOCIATED WITH EPISODIC APNEA. Identifiers: Orphanet 590, MedGen C0393929, MONDO:0009689, OMIM 254210.

Allele frequency attached by ClinVar (database versions not stated): 1000 Genomes Project 30x 0.00031; 1000 Genomes Project 0.00040; gnomAD 0.00086; TOPMed 0.00123; ESP Exome Variant Server 0.00131.
gnomAD v4.1: 2,001 of 1,613,606 alleles (0.12%); highest among the groups gnomAD compares: Admixed American, 0.24%; 1 homozygote.

Submissions (9):

Labcorp Genetics (formerly Invitae), Labcorp
Classification: Likely benign for Familial infantile myasthenia. Last evaluated: 2026-01-29. Review status: criteria provided, single submitter. Criteria: Invitae Variant Classification Sherloc (09022015). Collection method: clinical testing. Allele origin: germline.

Mayo Clinic Laboratories, Mayo Clinic
Classification: Uncertain significance. Last evaluated: 2025-10-15. Review status: criteria provided, single submitter. Criteria: ACMG Guidelines, 2015. Collection method: clinical testing. Allele origin: germline. Observed: 3 variant alleles.
Comment: BS1, PP3

PreventionGenetics, part of Exact Sciences
Classification: Likely benign for CHAT-related condition. Last evaluated: 2025-05-21. Review status: criteria provided, single submitter. Criteria: ACMG Guidelines, 2015. Collection method: clinical testing. Allele origin: germline.
Comment: This variant is classified as likely benign based on ACMG/AMP sequence variant interpretation guidelines (Richards et al. 2015 PMID: 25741868, with internal and published modifications).

Revvity Omics, Revvity
Classification: Likely benign for Familial infantile myasthenia. Last evaluated: 2024-06-12. Review status: criteria provided, single submitter. Criteria: ACMG Guidelines, 2015. Collection method: clinical testing. Allele origin: germline.

Ambry Genetics
Classification: Uncertain significance for Inborn genetic diseases. Last evaluated: 2021-09-17. Review status: criteria provided, single submitter. Criteria: Ambry Variant Classification Scheme 2023. Collection method: clinical testing. Allele origin: germline.

Baylor Genetics
Classification: Uncertain significance for Familial infantile myasthenia. Last evaluated: 2018-11-12. Review status: criteria provided, single submitter. Criteria: ACMG Guidelines, 2015. Collection method: clinical testing. Allele origin: unknown. Affected: yes.
Comment: This variant was determined to be of uncertain significance according to ACMG Guidelines, 2015 [PMID:25741868].

Athena Diagnostics
Classification: Uncertain significance. Last evaluated: 2018-02-16. Review status: criteria provided, single submitter. Criteria: Athena Diagnostics Criteria. Collection method: clinical testing. Allele origin: germline.

GeneDx
Classification: Uncertain significance. Last evaluated: 2017-06-22. Review status: criteria provided, single submitter. Criteria: GeneDx Variant Classification (06012015). Collection method: clinical testing. Allele origin: germline. Affected: yes.
Comment: The R222P variant has not been published as a pathogenic variant, nor has it been reported as a benign variant to our knowledge. It was not observed with any significant frequency in approximately 6,500 individuals of European and African American ancestry in the NHLBI Exome Sequencing Project, nor was it observed with any significant frequency in the 1000 Genomes Project. The R222P variant is a non-conservative amino acid substitution, which is likely to impact secondary protein structure as these residues differ in polarity, charge, size and/or other properties. However, this substitution occurs at a position that is not conserved, and missense variants in nearby residues have not been reported in the Human Gene Mutation Database in association with CHAT-related disorders (Stenson et al., 2014). In silico analysis is inconsistent in its predictions as to whether or not the variant is damaging to the protein structure/function.

Genetic Services Laboratory, University of Chicago
Classification: Uncertain significance. Last evaluated: 2016-06-10. Review status: criteria provided, single submitter. Criteria: ACMG Guidelines, 2015. Collection method: clinical testing. Allele origin: germline. Affected: no.

NM_020549.5(CHAT):c.665G>C (p.Arg222Pro)

Gene: CHAT (choline O-acetyltransferase; plus strand). Cytogenetic location: 10q11.23.
Variant type: single nucleotide variant.
Coding change: c.665G>C on transcript NM_020549.5 (MANE Select); coding-DNA position 665, G replaced by C.
Protein change: p.Arg222Pro; replaces arginine 222 with proline.
Molecular consequence: missense variant.
Genome position (GRCh38, 1-based): chr10:49,620,580, G>C. VCF-style: chr10-49620580-G-C. GRCh37 (hg19) VCF-style: chr10-50828626-G-C.
Other names: p.Arg222Pro; c.311G>C, p.Arg104Pro (NM_001142929.2, NM_001142934.2, NM_020984.4 and 2 more transcripts); c.419G>C, p.Arg140Pro (NM_001142933.2); short protein forms R104P, R222P, R140P.
Identifiers: ClinVar variation 421843 (VCV000421843.30), dbSNP rs8178989, ClinGen allele CA5497212.